The following is an entry in ClinVar:

ClinVar aggregate classification (germline): Uncertain significance (1 of 4 stars; one submission).

Submission:

Labcorp Genetics (formerly Invitae), Labcorp
Classification: Uncertain significance. Last evaluated: 2025-05-25. Review status: criteria provided, single submitter. Criteria: Invitae Variant Classification Sherloc (09022015). Collection method: clinical testing. Allele origin: germline.
Comment: This sequence change replaces valine, which is neutral and non-polar, with aspartic acid, which is acidic and polar, at codon 224 of the NAA10 protein (p.Val224Asp). This variant is not present in population databases (gnomAD no frequency). This variant has not been reported in the literature in individuals affected with NAA10-related conditions. An algorithm developed to predict the effect of missense changes on protein structure and function (PolyPhen-2) suggests that this variant is likely to be tolerated. In summary, the available evidence is currently insufficient to determine the role of this variant in disease. Therefore, it has been classified as a Variant of Uncertain Significance.

NM_003491.4(NAA10):c.671T>A (p.Val224Asp)

Gene: NAA10 (N-alpha-acetyltransferase 10, NatA catalytic subunit; minus strand). Cytogenetic location: Xq28.
Variant type: single nucleotide variant.
Coding change: c.671T>A on transcript NM_003491.4 (MANE Select); coding-DNA position 671, T replaced by A.
Protein change: p.Val224Asp; replaces valine 224 with aspartic acid.
Molecular consequence: missense variant.
Genome position (GRCh38, 1-based): chrX:153,930,024, A>T on the plus strand (T>A on the coding strand, the complement: NAA10 is on the minus strand). VCF-style: chrX-153930024-A-T. GRCh37 (hg19) VCF-style: chrX-153195477-A-T.
Other names: c.626T>A, p.Val209Asp (NM_001256119.2); c.653T>A, p.Val218Asp (NM_001256120.2); short protein forms V224D, V209D, V218D.
Identifiers: ClinVar variation 4712372 (VCV004712372.1).
Genomic context (GRCh38, chrX:153,930,024, plus strand): 5'-GTGAGGAGGGGATGGGGCAGGCTCTAGGAGGCTGAGTCGGAGGCCTCTGAGCTGTCCTTG[A>T]CATCTGTGCTCTCTGTGGTCTCGCTGACCTCGCTGAGGTCCTTGCTGTCCCCACCACTAT-3'
Protein context (NP_003482.1, residues 214-234): EVSETTESTD[Val224Asp]KDSSEASDSA